The following is an entry in ClinVar:

NM_001852.4(COL9A2):c.724C>T (p.Pro242Ser)

Gene: COL9A2 (collagen type IX alpha 2 chain; minus strand). Cytogenetic location: 1p34.2.
Variant type: single nucleotide variant.
Coding change: c.724C>T on transcript NM_001852.4 (MANE Select); coding-DNA position 724, C replaced by T.
Protein change: p.Pro242Ser; replaces proline 242 with serine.
Molecular consequence: missense variant.
Genome position (GRCh38, 1-based): chr1:40,310,278, G>A on the plus strand (C>T on the coding strand, the complement: COL9A2 is on the minus strand). VCF-style: chr1-40310278-G-A. GRCh37 (hg19) VCF-style: chr1-40775950-G-A.
Other names: short protein forms P242S.
Identifiers: ClinVar variation 2197439 (VCV002197439.4), dbSNP rs762688830, ClinGen allele CA791791.

ClinVar aggregate classification (germline): Uncertain significance (1 of 4 stars; one submission).

Allele frequency attached by ClinVar (database versions not stated): TOPMed below 0.00001; ExAC 0.00001; gnomAD exomes 0.00001.
gnomAD v4.1: 6 of 1,614,106 alleles (0.00037%); highest among the groups gnomAD compares: Admixed American, 0.0017%; no homozygotes.

Submission:

Labcorp Genetics (formerly Invitae), Labcorp
Classification: Uncertain significance. Last evaluated: 2025-08-25. Review status: criteria provided, single submitter. Criteria: Invitae Variant Classification Sherloc (09022015). Collection method: clinical testing. Allele origin: germline.
Comment: This sequence change replaces proline, which is neutral and non-polar, with serine, which is neutral and polar, at codon 242 of the COL9A2 protein (p.Pro242Ser). This variant is present in population databases (rs762688830, gnomAD 0.003%). This variant has not been reported in the literature in individuals affected with COL9A2-related conditions. ClinVar contains an entry for this variant (Variation ID: 2197439). Invitae Evidence Modeling of protein sequence and biophysical properties (such as structural, functional, and spatial information, amino acid conservation, physicochemical variation, residue mobility, and thermodynamic stability) indicates that this missense variant is not expected to disrupt COL9A2 protein function with a negative predictive value of 95%. In summary, the available evidence is currently insufficient to determine the role of this variant in disease. Therefore, it has been classified as a Variant of Uncertain Significance.